The following is an entry in ClinVar:

NM_024809.5(TCTN2):c.1704C>G (p.Ile568Met)

Gene: TCTN2 (tectonic family member 2; plus strand). Cytogenetic location: 12q24.31.
Variant type: single nucleotide variant.
Coding change: c.1704C>G on transcript NM_024809.5 (MANE Select); coding-DNA position 1704, C replaced by G.
Protein change: p.Ile568Met; replaces isoleucine 568 with methionine.
Molecular consequence: missense variant.
Genome position (GRCh38, 1-based): chr12:123,704,623, C>G. VCF-style: chr12-123704623-C-G. GRCh37 (hg19) VCF-style: chr12-124189170-C-G.
Other names: c.1701C>G, p.Ile567Met (NM_001143850.3); c.1569C>G, p.Ile523Met (NM_001410989.1); short protein forms I567M, I523M, I568M.
Identifiers: ClinVar variation 2012371 (VCV002012371.2), dbSNP rs749519963, ClinGen allele CA387147743.
Genomic context (GRCh38, chr12:123,704,623, plus strand): 5'-GCTGGCTAGCAGTGTGAACGGCATGTGCCTGGATATTCCTGCTCACCTGAGCATCCGCAT[C>G]CTCATCTCGGATGCTGGCGCGGTGGAAGGGATTACTCAGCAGGAGATACTCGGTGTAGAG-3'
Protein context (NP_079085.2, residues 558-578): LDIPAHLSIR[Ile568Met]LISDAGAVEG

ClinVar aggregate classification (germline): Uncertain significance (1 of 4 stars; one submission).

Conditions:
Joubert syndrome. Also called: CEREBELLOPARENCHYMAL DISORDER IV; JOUBERT-BOLTSHAUSER SYNDROME; Familial aplasia of the vermis. Identifiers: Orphanet 475, MedGen C5979921, MONDO:0018772.
Meckel-Gruber syndrome. Also called: DYSENCEPHALIA SPLANCHNOCYSTICA; GRUBER SYNDROME; Dysencephalia splachnocystica. Identifiers: Orphanet 564, MedGen C0265215, MONDO:0018921.

gnomAD v4.1: 8 of 1,613,414 alleles (0.0005%); highest among the groups gnomAD compares: Admixed American, 0.012%; no homozygotes.

Submission:

Labcorp Genetics (formerly Invitae), Labcorp
Classification: Uncertain significance for Joubert syndrome; Meckel-Gruber syndrome. Last evaluated: 2023-08-17. Review status: criteria provided, single submitter. Criteria: Invitae Variant Classification Sherloc (09022015). Collection method: clinical testing. Allele origin: germline.
Comment: In summary, the available evidence is currently insufficient to determine the role of this variant in disease. Therefore, it has been classified as a Variant of Uncertain Significance. Advanced modeling of protein sequence and biophysical properties (such as structural, functional, and spatial information, amino acid conservation, physicochemical variation, residue mobility, and thermodynamic stability) performed at Invitae indicates that this missense variant is expected to disrupt TCTN2 protein function. ClinVar contains an entry for this variant (Variation ID: 2012371). This variant has not been reported in the literature in individuals affected with TCTN2-related conditions. This variant is present in population databases (no rsID available, gnomAD 0.02%). This sequence change replaces isoleucine, which is neutral and non-polar, with methionine, which is neutral and non-polar, at codon 568 of the TCTN2 protein (p.Ile568Met).